The following is an entry in ClinVar:

NM_001288705.3(CSF1R):c.2797_2817del (p.Gly933_Ser939del)

Gene: CSF1R (colony stimulating factor 1 receptor; minus strand). Cytogenetic location: 5q32.
Variant type: Deletion.
Coding change: c.2797_2817del on transcript NM_001288705.3 (MANE Select); coding-DNA positions 2797 to 2817, 21 bases deleted (GGTGGCAGCGGCAGCAGCAGC).
Protein change: p.Gly933_Ser939del.
Molecular consequence: inframe deletion. On other transcripts: non-coding transcript variant (2).
Genome position (GRCh38, 1-based): chr5:150,054,171-150,054,191, GCTGCTGCTGCCGCTGCCACC deleted on the plus strand (GGTGGCAGCGGCAGCAGCAGC on the coding strand, the reverse complement: CSF1R is on the minus strand); deleting any 21 consecutive bases within chr5:150,054,171-150,054,194 gives the same sequence; the c. name uses the placement nearest the transcript's 3' end. VCF-style (leftmost placement, unchanged base first): chr5-150054170-TGCTGCTGCTGCCGCTGCCACC-T. GRCh37 (hg19) VCF-style: chr5-149433733-TGCTGCTGCTGCCGCTGCCACC-T.
Other names: c.2797_2817del, p.Gly933_Ser939del (NM_001349736.2, NM_001375320.1, NM_005211.4); c.2353_2373del, p.Gly785_Ser791del (NM_001375321.1).
Identifiers: ClinVar variation 2001684 (VCV002001684.4), dbSNP rs2480935262, ClinGen allele CA2580073862.

ClinVar aggregate classification (germline): Uncertain significance (1 of 4 stars; one submission).

Submission:

Labcorp Genetics (formerly Invitae), Labcorp
Classification: Uncertain significance. Last evaluated: 2023-10-03. Review status: criteria provided, single submitter. Criteria: Invitae Variant Classification Sherloc (09022015). Collection method: clinical testing. Allele origin: germline.
Comment: This variant, c.2797_2817del, results in the deletion of 7 amino acid(s) of the CSF1R protein (p.Gly933_Ser939del), but otherwise preserves the integrity of the reading frame. This variant is not present in population databases (gnomAD no frequency). This variant has not been reported in the literature in individuals affected with CSF1R-related conditions. ClinVar contains an entry for this variant (Variation ID: 2001684). Experimental studies and prediction algorithms are not available or were not evaluated, and the functional significance of this variant is currently unknown. In summary, the available evidence is currently insufficient to determine the role of this variant in disease. Therefore, it has been classified as a Variant of Uncertain Significance.